The following is an entry in ClinVar:

ClinVar aggregate classification (germline): Uncertain significance (1 of 4 stars; one submission).

Conditions:
Familial hypobetalipoproteinemia 1. Also called: APOB-Related Familial Hypobetalipoproteinemia; Hypobetalipoproteinemia, normotriglyceridemic; Acanthocytosis with hypobetalipoproteinemia. Identifiers: MedGen C4551990, MONDO:0014252, OMIM 615558.
Hypercholesterolemia, autosomal dominant, type B (FHCL2). Also called: Familial Hypercholesterolemia Type B; APOLIPOPROTEIN B-100, FAMILIAL DEFECTIVE; APOLIPOPROTEIN B-100, FAMILIAL LIGAND-DEFECTIVE; HYPERCHOLESTEROLEMIA, FAMILIAL, DUE TO LIGAND-DEFECTIVE APOLIPOPROTEIN B; Familial hypercholesterolemia 2; Hyperlipoproteinemia Type IIb. Identifiers: MedGen C1704417, MONDO:0007751, OMIM 144010.

Submission:

Labcorp Genetics (formerly Invitae), Labcorp
Classification: Uncertain significance for Familial hypobetalipoproteinemia 1; Hypercholesterolemia, autosomal dominant, type B. Last evaluated: 2022-01-27. Review status: criteria provided, single submitter. Criteria: Invitae Variant Classification Sherloc (09022015). Collection method: clinical testing. Allele origin: germline.
Comment: In summary, the available evidence is currently insufficient to determine the role of this variant in disease. Therefore, it has been classified as a Variant of Uncertain Significance. Experimental studies and prediction algorithms are not available or were not evaluated, and the functional significance of this variant is currently unknown. This variant has not been reported in the literature in individuals affected with APOB-related conditions. This variant is not present in population databases (gnomAD no frequency). This variant, c.12918_12920del, results in the deletion of 1 amino acid(s) of the APOB protein (p.Phe4307del), but otherwise preserves the integrity of the reading frame.

NM_000384.3(APOB):c.12918_12920del (p.Phe4307del)

Gene: APOB (apolipoprotein B; minus strand). Cytogenetic location: 2p24.1.
Variant type: Deletion.
Coding change: c.12918_12920del on transcript NM_000384.3 (MANE Select); coding-DNA positions 12918 to 12920, 3 bases deleted (TTT; older notation c.12918_12920delTTT).
Protein change: p.Phe4307del; deletes phenylalanine 4307.
Molecular consequence: inframe deletion.
Genome position (GRCh38, 1-based): chr2:21,002,502-21,002,504, AAA deleted on the plus strand (TTT on the coding strand, the reverse complement: APOB is on the minus strand); deleting any 3 consecutive bases within chr2:21,002,502-21,002,505 gives the same sequence; the c. name uses the placement nearest the transcript's 3' end. VCF-style (leftmost placement, unchanged base first): chr2-21002501-GAAA-G. GRCh37 (hg19) VCF-style: chr2-21225373-GAAA-G.
Other names: short protein forms F4307del.
Identifiers: ClinVar variation 1508254 (VCV001508254.8), dbSNP rs2103347227, ClinGen allele CA2573134390.